The following is an entry in ClinVar:

NM_001378328.1(CELSR1):c.7409T>C (p.Ile2470Thr)

Genes: CELSR1 (cadherin EGF LAG seven-pass G-type receptor 1; minus strand), LOC121627952 (CDK7 strongly-dependent group 2 enhancer GRCh37_chr22:46772879-46774078; plus strand). Cytogenetic location: 22q13.31.
Variant type: single nucleotide variant.
Coding change: c.7409T>C on transcript NM_001378328.1 (MANE Select); coding-DNA position 7409, T replaced by C.
Protein change: p.Ile2470Thr; replaces isoleucine 2470 with threonine.
Molecular consequence: missense variant.
Genome position (GRCh38, 1-based): chr22:46,377,236, A>G on the plus strand (T>C on the coding strand, the complement: CELSR1 is on the minus strand). VCF-style: chr22-46377236-A-G. GRCh37 (hg19) VCF-style: chr22-46773133-A-G.
Other names: c.7409T>C, p.Ile2470Thr (NM_014246.4); short protein forms I2470T.
Identifiers: ClinVar variation 2663667 (VCV002663667.1), dbSNP rs2078929049, ClinGen allele CA411932144.

ClinVar aggregate classification (germline): Uncertain significance (1 of 4 stars; one submission).

Allele frequency attached by ClinVar (database versions not stated): gnomAD exomes below 0.00001; TOPMed 0.00001.
gnomAD v4.1: 1 of 1,614,048 alleles (0.000062%); highest among the groups gnomAD compares: Admixed American, 0.0017%; no homozygotes.

Submission:

GeneDx
Classification: Uncertain significance. Last evaluated: 2023-04-24. Review status: criteria provided, single submitter. Criteria: GeneDx Variant Classification Process June 2021. Collection method: clinical testing. Allele origin: germline. Affected: yes.
Comment: Not observed at significant frequency in large population cohorts (gnomAD); In silico analysis supports that this missense variant has a deleterious effect on protein structure/function; Has not been previously published as pathogenic or benign to our knowledge